The following is an entry in ClinVar:

NM_015557.3(CHD5):c.5660C>G (p.Pro1887Arg)

Gene: CHD5 (chromodomain helicase DNA binding protein 5; minus strand). Cytogenetic location: 1p36.31.
Variant type: single nucleotide variant.
Coding change: c.5660C>G on transcript NM_015557.3 (MANE Select); coding-DNA position 5660, C replaced by G.
Protein change: p.Pro1887Arg; replaces proline 1887 with arginine.
Molecular consequence: missense variant.
Genome position (GRCh38, 1-based): chr1:6,106,698, G>C on the plus strand (C>G on the coding strand, the complement: CHD5 is on the minus strand). VCF-style: chr1-6106698-G-C. GRCh37 (hg19) VCF-style: chr1-6166758-G-C.
Other names: short protein forms P1887R.
Identifiers: ClinVar variation 5016895 (VCV005016895.1).
Genomic context (GRCh38, chr1:6,106,698, plus strand): 5'-GCGCGGTTGGTCAGGCGGCTCAGGATGCTGCGCTCCGACATCTGCAGCCGGGCGGCCACC[G>C]GGGGGATGCGGGACAGCATGGATGGCAGCCGGGTCACGTCGGCCTTCATGTCGCTCAGCA-3'
Protein context (NP_056372.1, residues 1877-1897): RLPSMLSRIP[Pro1887Arg]VAARLQMSER

ClinVar aggregate classification (germline): Uncertain significance (1 of 4 stars; one submission).

Submission:

GeneDx
Classification: Uncertain significance. Last evaluated: 2026-03-31. Review status: criteria provided, single submitter. Criteria: GeneDx Variant Classification Process June 2021. Collection method: clinical testing. Allele origin: germline.
Comment: Not observed at significant frequency in large population cohorts (gnomAD); In silico analysis supports that this missense variant has a deleterious effect on protein structure/function; Has not been previously published as pathogenic or benign to our knowledge